The following is an entry in ClinVar:

ClinVar aggregate classification (germline): Benign/Likely benign. Review status: criteria provided, multiple submitters, no conflicts (2 of 4 stars). 4 submissions from 4 submitters: Benign (1); Likely benign (3). Last evaluated 2025-08-30.

Conditions:
POLD1-related polyposis and colorectal cancer syndrome (CRCS10). Also called: Colorectal cancer, susceptibility to, 10; Colorectal cancer 10; COLORECTAL CANCER, SUSCEPTIBILITY TO, ON CHROMOSOME 19q. Identifiers: Orphanet 220460, MedGen C2675481, MONDO:0012953, OMIM 612591.
Mandibular hypoplasia-deafness-progeroid syndrome. Also called: Mandibular hypoplasia, deafness, progeroid features, and lipodystrophy syndrome. Identifiers: Orphanet 363649, MedGen C3715192, MONDO:0014157, OMIM 615381.
Hereditary cancer-predisposing syndrome. Also called: Hereditary Cancer Syndrome; Hereditary neoplastic syndrome; Neoplastic Syndromes, Hereditary; Tumor predisposition. Identifiers: Orphanet 140162, MedGen C0027672, MeSH D009386, MONDO:0015356.

Allele frequency attached by ClinVar (database versions not stated): gnomAD 0.00001; TOPMed 0.00001; ESP Exome Variant Server 0.00008.
gnomAD v4.1: 3 of 1,601,548 alleles (0.00019%); highest among the groups gnomAD compares: African/African-American, 0.0027%; no homozygotes.

Submissions (4):

Labcorp Genetics (formerly Invitae), Labcorp
Classification: Likely benign for POLD1-related polyposis and colorectal cancer syndrome. Last evaluated: 2025-08-30. Review status: criteria provided, single submitter. Criteria: Invitae Variant Classification Sherloc (09022015). Collection method: clinical testing. Allele origin: germline.

Myriad Genetics, Inc.
Classification: Benign for POLD1-related polyposis and colorectal cancer syndrome. Last evaluated: 2025-02-07. Review status: criteria provided, single submitter. Criteria: Myriad Autosomal Dominant, Autosomal Recessive and X-Linked Classification Criteria (2023). Collection method: clinical testing. Allele origin: unknown.
Comment: This variant is considered benign. This variant is a silent/synonymous amino acid change and it is not expected to impact splicing.

Fulgent Genetics
Classification: Likely benign for POLD1-related polyposis and colorectal cancer syndrome; Mandibular hypoplasia-deafness-progeroid syndrome. Last evaluated: 2022-01-08. Review status: criteria provided, single submitter. Criteria: ACMG Guidelines, 2015. Collection method: clinical testing. Allele origin: unknown.

Ambry Genetics
Classification: Likely benign for Hereditary cancer-predisposing syndrome. Last evaluated: 2019-11-07. Review status: criteria provided, single submitter. Criteria: Ambry Variant Classification Scheme 2023. Collection method: clinical testing. Allele origin: germline.

NM_002691.4(POLD1):c.1681C>A (p.Arg561=)

Gene: POLD1 (DNA polymerase delta 1, catalytic subunit; plus strand). Cytogenetic location: 19q13.33.
Variant type: single nucleotide variant.
Coding change: c.1681C>A on transcript NM_002691.4 (MANE Select); coding-DNA position 1681, C replaced by A.
Protein change: p.Arg561=; no amino-acid change (arginine 561 retained).
Molecular consequence: synonymous variant. On other transcripts: non-coding transcript variant (1).
Genome position (GRCh38, 1-based): chr19:50,407,169, C>A. VCF-style: chr19-50407169-C-A. GRCh37 (hg19) VCF-style: chr19-50910426-C-A.
Other names: c.1681C>A, p.Arg561= (NM_001256849.1, NM_001308632.1).
Identifiers: ClinVar variation 747672 (VCV000747672.13), dbSNP rs368738479, ClinGen allele CA309601830.